The following is an entry in ClinVar:

NM_021942.6(TRAPPC11):c.130C>T (p.Arg44Trp)

Gene: TRAPPC11 (trafficking protein particle complex subunit 11; plus strand). Cytogenetic location: 4q35.1.
Variant type: single nucleotide variant.
Coding change: c.130C>T on transcript NM_021942.6 (MANE Select); coding-DNA position 130, C replaced by T.
Protein change: p.Arg44Trp; replaces arginine 44 with tryptophan.
Molecular consequence: missense variant.
Genome position (GRCh38, 1-based): chr4:183,663,997, C>T. VCF-style: chr4-183663997-C-T. GRCh37 (hg19) VCF-style: chr4-184585150-C-T.
Other names: c.130C>T, p.Arg44Trp (NM_199053.3); short protein forms R44W.
Identifiers: ClinVar variation 1303337 (VCV001303337.9), dbSNP rs757210292, ClinGen allele CA3151485.
Genomic context (GRCh38, chr4:183,663,997, plus strand): 5'-GGCCTGGATGTAGTTTATAATGCAGTCCATCGAGCTGTCTGGGACGCCTTCTGTGCAAAT[C>T]GGAGAGCTGATCGAGTACCAATTTCTTTCAAGGTGCTCCCAGGTGACCATGAGTATCCCA-3'
Protein context (NP_068761.4, residues 34-54): RAVWDAFCAN[Arg44Trp]RADRVPISFK

ClinVar aggregate classification (germline): Uncertain significance. Review status: criteria provided, multiple submitters, no conflicts (2 of 4 stars). 2 submissions from 2 submitters: Uncertain significance (2). Last evaluated 2024-02-24.

Conditions:
Autosomal recessive limb-girdle muscular dystrophy type R18 (LGMDR18). Also called: Autosomal recessive limb-girdle muscular dystrophy type 2S; MUSCULAR DYSTROPHY, LIMB-GIRDLE, AUTOSOMAL RECESSIVE 18; Limb-girdle muscular dystrophy, type 2S. Identifiers: Orphanet 369840, MedGen C4517996, MONDO:0014144, OMIM 615356.

Allele frequency attached by ClinVar (database versions not stated): gnomAD 0.00001 and 0.00002; gnomAD exomes 0.00001 and 0.00002; ExAC 0.00002; TOPMed 0.00002.
gnomAD v4.1: 21 of 1,613,906 alleles (0.0013%); highest among the groups gnomAD compares: African/African-American, 0.0067%; no homozygotes.

Submissions (2):

Labcorp Genetics (formerly Invitae), Labcorp
Classification: Uncertain significance for Autosomal recessive limb-girdle muscular dystrophy type R18. Last evaluated: 2024-02-24. Review status: criteria provided, single submitter. Criteria: Invitae Variant Classification Sherloc (09022015). Collection method: clinical testing. Allele origin: germline.
Comment: This sequence change replaces arginine, which is basic and polar, with tryptophan, which is neutral and slightly polar, at codon 44 of the TRAPPC11 protein (p.Arg44Trp). This variant is present in population databases (rs757210292, gnomAD 0.006%). This variant has not been reported in the literature in individuals affected with TRAPPC11-related conditions. ClinVar contains an entry for this variant (Variation ID: 1303337). Advanced modeling of protein sequence and biophysical properties (such as structural, functional, and spatial information, amino acid conservation, physicochemical variation, residue mobility, and thermodynamic stability) performed at Invitae indicates that this missense variant is expected to disrupt TRAPPC11 protein function with a positive predictive value of 80%. In summary, the available evidence is currently insufficient to determine the role of this variant in disease. Therefore, it has been classified as a Variant of Uncertain Significance.

GeneDx
Classification: Uncertain significance. Last evaluated: 2020-04-03. Review status: criteria provided, single submitter. Criteria: GeneDx Variant Classification Process June 2021. Collection method: clinical testing. Allele origin: germline. Affected: yes.
Comment: Not observed at a significant frequency in large population cohorts (Lek et al., 2016); In silico analysis supports that this missense variant has a deleterious effect on protein structure/function; Has not been previously published as pathogenic or benign to our knowledge